The following is an entry in ClinVar:

ClinVar aggregate classification (germline): Benign/Likely benign. Review status: criteria provided, multiple submitters, no conflicts (2 of 4 stars). 9 submissions from 6 submitters: Benign (7); Likely benign (2). Last evaluated 2025-11-12.

Conditions:
Congenital myopathy 18. Also called: Myopathy, congenital, due to dihydropyridine receptor defect; DIHYDROPYRIDINE RECEPTOR CONGENITAL MYOPATHY; DHPR CONGENITAL MYOPATHY. Identifiers: MedGen C5830283, MONDO:0859514, OMIM 620246.
Malignant hyperthermia, susceptibility to, 5 (MHS5). Also called: CACNA1S-Related Malignant Hyperthermia Susceptibility. Identifiers: Orphanet 423, MedGen C1866077, MONDO:0011163, OMIM 601887.
Hypokalemic periodic paralysis, type 1. Also called: Hypokalemic Periodic Paralysis Type 1 (AD); HypoPP. Identifiers: Orphanet 681, MedGen C3714580, MONDO:0042979, OMIM 170400.
Thyrotoxic periodic paralysis, susceptibility to, 1 (TTPP1). Identifiers: Orphanet 79102, MedGen C2749982, MONDO:0008570, OMIM 188580.

Allele frequency attached by ClinVar (database versions not stated): gnomAD 0.00007 and 0.00011; gnomAD exomes 0.00009 and 0.00012; TOPMed 0.00009; ExAC 0.00014; ESP Exome Variant Server 0.00023.
gnomAD v4.1: 145 of 1,612,638 alleles (0.009%); highest among the groups gnomAD compares: South Asian, 0.069%; 1 homozygote.

Submissions (9):

Labcorp Genetics (formerly Invitae), Labcorp
Classification: Likely benign for Hypokalemic periodic paralysis, type 1; Malignant hyperthermia, susceptibility to, 5. Last evaluated: 2025-11-12. Review status: criteria provided, single submitter. Criteria: Invitae Variant Classification Sherloc (09022015). Collection method: clinical testing. Allele origin: germline.

Blueprint Genetics
Classification: Likely benign. Last evaluated: 2024-02-09. Review status: criteria provided, single submitter. Criteria: ACMG Guidelines, 2015. Collection method: clinical testing. Allele origin: germline.

All of Us Research Program, National Institutes of Health
Classification: Benign for Malignant hyperthermia, susceptibility to, 5. Last evaluated: 2023-12-01. Review status: criteria provided, single submitter. Criteria: ACMG Guidelines, 2015. Collection method: clinical testing. Allele origin: germline. Inheritance: Autosomal dominant inheritance. Observed: 10 variant alleles, 10 heterozygotes.
Comment: This study involves interpretation of variants in research participants for the purpose of population health screening. Participant phenotype was not available at the time of variant classification. Additional details can be found in publication PMID: 35346344, PMCID: PMC8962531

Genome-Nilou Lab
Classification: Benign for Malignant hyperthermia, susceptibility to, 5. Last evaluated: 2023-04-11. Review status: criteria provided, single submitter. Criteria: ACMG Guidelines, 2015. Collection method: clinical testing. Allele origin: germline. Affected: no.

Genome-Nilou Lab
Classification: Benign for Thyrotoxic periodic paralysis, susceptibility to, 1. Last evaluated: 2023-04-11. Review status: criteria provided, single submitter. Criteria: ACMG Guidelines, 2015. Collection method: clinical testing. Allele origin: germline. Affected: no.

Genome-Nilou Lab
Classification: Benign for Congenital myopathy 18. Last evaluated: 2023-04-11. Review status: criteria provided, single submitter. Criteria: ACMG Guidelines, 2015. Collection method: clinical testing. Allele origin: germline. Affected: no.

Genome-Nilou Lab
Classification: Benign for Hypokalemic periodic paralysis, type 1. Last evaluated: 2023-04-11. Review status: criteria provided, single submitter. Criteria: ACMG Guidelines, 2015. Collection method: clinical testing. Allele origin: germline. Affected: no.

Color Diagnostics, LLC DBA Color Health
Classification: Benign for Malignant hyperthermia, susceptibility to, 5. Last evaluated: 2023-01-20. Review status: criteria provided, single submitter. Criteria: ACMG Guidelines, 2015. Collection method: clinical testing. Allele origin: germline.

Illumina Laboratory Services, Illumina
Classification: Benign for Hypokalemic periodic paralysis, type 1. Last evaluated: 2018-01-13. Review status: criteria provided, single submitter. Criteria: ICSL Variant Classification Criteria 13 December 2019. Collection method: clinical testing. Allele origin: germline.
Comment: This variant was observed in the ICSL laboratory as part of a predisposition screen in an ostensibly healthy population. It had not been previously curated by ICSL or reported in the Human Gene Mutation Database (HGMD: prior to June 1st, 2018), and was therefore a candidate for classification through an automated scoring system. Utilizing variant allele frequency, disease prevalence and penetrance estimates, and inheritance mode, an automated score was calculated to assess if this variant is too frequent to cause the disease. Based on the score and internal cut-off values, a variant classified as benign is not then subjected to further curation. The score for this variant resulted in a classification of benign for this disease.

NM_000069.3(CACNA1S):c.3796-14C>T

Gene: CACNA1S (calcium voltage-gated channel subunit alpha1 S; minus strand). Cytogenetic location: 1q32.1.
Variant type: single nucleotide variant.
Coding change: c.3796-14C>T on transcript NM_000069.3 (MANE Select); 14 bases into the intron before coding-DNA position 3796, C replaced by T.
Molecular consequence: intron variant.
Genome position (GRCh38, 1-based): chr1:201,053,288, G>A on the plus strand (C>T on the coding strand, the complement: CACNA1S is on the minus strand). VCF-style: chr1-201053288-G-A. GRCh37 (hg19) VCF-style: chr1-201022416-G-A.
Identifiers: ClinVar variation 294727 (VCV000294727.16), dbSNP rs377210987, ClinGen allele CA082849.